The following is an entry in ClinVar:

ClinVar aggregate classification (germline): Uncertain significance (1 of 4 stars; one submission).

Submission:

Labcorp Genetics (formerly Invitae), Labcorp
Classification: Uncertain significance. Last evaluated: 2022-02-10. Review status: criteria provided, single submitter. Criteria: Invitae Variant Classification Sherloc (09022015). Collection method: clinical testing. Allele origin: germline.
Comment: This sequence change replaces alanine, which is neutral and non-polar, with serine, which is neutral and polar, at codon 628 of the LCA5 protein (p.Ala628Ser). This variant is not present in population databases (gnomAD no frequency). This variant has not been reported in the literature in individuals affected with LCA5-related conditions. ClinVar contains an entry for this variant (Variation ID: 863250). Algorithms developed to predict the effect of missense changes on protein structure and function output the following: SIFT: "Tolerated"; PolyPhen-2: "Benign"; Align-GVGD: "Class C0". The serine amino acid residue is found in multiple mammalian species, which suggests that this missense change does not adversely affect protein function. In summary, the available evidence is currently insufficient to determine the role of this variant in disease. Therefore, it has been classified as a Variant of Uncertain Significance.

NM_001122769.3(LCA5):c.1882G>T (p.Ala628Ser)

Gene: LCA5 (lebercilin LCA5; minus strand). Cytogenetic location: 6q14.1.
Variant type: single nucleotide variant.
Coding change: c.1882G>T on transcript NM_001122769.3 (MANE Select); coding-DNA position 1882, G replaced by T.
Protein change: p.Ala628Ser; replaces alanine 628 with serine.
Molecular consequence: missense variant.
Genome position (GRCh38, 1-based): chr6:79,487,216, C>A on the plus strand (G>T on the coding strand, the complement: LCA5 is on the minus strand). VCF-style: chr6-79487216-C-A. GRCh37 (hg19) VCF-style: chr6-80196933-C-A.
Other names: c.1882G>T, p.Ala628Ser (NM_181714.4); short protein forms A628S.
Identifiers: ClinVar variation 863250 (VCV000863250.11), dbSNP rs1769688198, ClinGen allele CA364637645.